The following is an entry in ClinVar:

NM_007294.4(BRCA1):c.1066_1067inv (p.Gln356Trp)

Gene: BRCA1 (BRCA1 DNA repair associated; minus strand). Cytogenetic location: 17q21.31.
Variant type: Inversion.
Coding change: c.1066_1067inv on transcript NM_007294.4 (MANE Select).
Protein change: p.Gln356Trp; replaces glutamine 356 with tryptophan.
Molecular consequence: missense variant. On other transcripts: intron variant (137).
Genome position: GRCh38 VCF-style: chr17-43094464-TG-CA. GRCh37 (hg19) VCF-style: chr17-41246481-TG-CA.
Other names: c.853_854inv, p.Gln285Trp (NM_001407571.1, NM_001407853.1, NM_001407894.1 and 9 more transcripts); c.1066_1067inv, p.Gln356Trp (NM_001407581.1, NM_001407582.1, NM_001407583.1 and 30 more transcripts); c.1063_1064inv, p.Gln355Trp (NM_001407587.1, NM_001407590.1, NM_001407591.1 and 22 more transcripts); c.1057_1058inv, p.Gln353Trp (NM_001407646.1, NM_001407647.1); c.943_944inv, p.Gln315Trp (NM_001407648.1, NM_001407664.1, NM_001407665.1 and 19 more transcripts); c.940_941inv, p.Gln314Trp (NM_001407649.1, NM_001407670.1, NM_001407671.1 and 11 more transcripts); c.988_989inv, p.Gln330Trp (NM_001407653.1, NM_001407654.1, NM_001407655.1 and 4 more transcripts); c.985_986inv, p.Gln329Trp (NM_001407659.1, NM_001407660.1, NM_001407661.1 and 1 more transcripts); and 40 more; short protein forms Q188W, Q228W, Q229W, Q244W, Q245W, Q267W, Q268W, Q285W.
Identifiers: ClinVar variation 3386222 (VCV003386222.1).

ClinVar aggregate classification (germline): Uncertain significance (1 of 4 stars; one submission).

Conditions:
BRCA1-related cancer predisposition. Identifiers: MedGen CN377757, MONDO:0700268.

Submission:

All of Us Research Program, National Institutes of Health
Classification: Uncertain significance for BRCA1-related cancer predisposition. Last evaluated: 2024-07-10. Review status: criteria provided, single submitter. Criteria: ACMG Guidelines, 2015. Collection method: clinical testing. Allele origin: germline. Inheritance: Autosomal dominant inheritance. Observed: 1 variant allele, 1 heterozygote.
Comment: This missense variant replaces glutamine with tryptophan at codon 356 of the BRCA1 protein. To our knowledge, functional studies have not been reported for this variant. This variant has not been reported in individuals affected with BRCA1-related disorders in the literature. This variant has not been identified in the general population by the Genome Aggregation Database (gnomAD). The available evidence is insufficient to determine the role of this variant in disease conclusively. Therefore, this variant is classified as a Variant of Uncertain Significance.

This study involves interpretation of variants in research participants for the purpose of population health screening. Participant phenotype was not available at the time of variant classification. Additional details can be found in publication PMID: 35346344, PMCID: PMC8962531